The following is an entry in ClinVar:

NM_014112.5(TRPS1):c.1976AAG[1] (p.Glu660del)

Gene: TRPS1 (transcriptional repressor GATA binding 1; minus strand). Cytogenetic location: 8q23.3.
Variant type: Microsatellite.
Coding change: c.1976AAG[1] on transcript NM_014112.5 (MANE Select); one copy of the 3-base unit AAG starting at c.1976; the reference has two copies in a row; one copy, 3 bases deleted.
Protein change: p.Glu660del; deletes glutamic acid 660.
Molecular consequence: inframe deletion.
Genome position (GRCh38, 1-based): chr8:115,603,988-115,603,990, CTT deleted on the plus strand (AAG on the coding strand, the reverse complement: TRPS1 is on the minus strand); deleting any 3 consecutive bases within chr8:115,603,988-115,603,993 gives the same sequence; the position shown is the placement nearest the transcript's 3' end. VCF-style (leftmost placement, unchanged base first): chr8-115603987-GCTT-G. GRCh37 (hg19) VCF-style: chr8-116616214-GCTT-G.
Other names: c.1949AAG[1], p.Glu651del (NM_001282902.3); c.1955AAG[1], p.Glu653del (NM_001282903.3); c.1937AAG[1], p.Glu647del (NM_001330599.2); short protein forms E647del, E651del, E653del, E660del.
Identifiers: ClinVar variation 1805834 (VCV001805834.1), dbSNP rs1817968835, ClinGen allele CA923726160.

ClinVar aggregate classification (germline): Uncertain significance (1 of 4 stars; one submission).

Conditions:
Trichorhinophalangeal dysplasia type I (TRPS1). Also called: TRICHORHINOPHALANGEAL SYNDROME, TYPE I; TRPS I. Identifiers: Orphanet 77258, MedGen C0432233, MONDO:0008596, OMIM 190350.

Submission:

Victorian Clinical Genetics Services, Murdoch Childrens Research Institute
Classification: Uncertain significance for Trichorhinophalangeal dysplasia type I. Last evaluated: 2020-05-25. Review status: criteria provided, single submitter. Criteria: ACMG Guidelines, 2015. Collection method: clinical testing. Allele origin: germline. Inheritance: Autosomal dominant inheritance.
Comment: Based on the classification scheme VCGS_Germline_v1.1.1, this variant is classified as VUS – 3B. Following criteria are met: 0102 - Loss-of-function is a known mechanism of disease for this gene. (N) 0107 - This gene is known to be associated with autosomal dominant disease. (N) 0213 - In-frame insertion/deletion in a non-repetitive region that has high conservation. (P) 0251 - Variant is heterozygous. (N) 0301 - Variant is absent from gnomAD. (P) 0507 - Identified variant type is not compatible with in silico predictions of pathogenicity. (N) 0604 - Variant is not located in an established domain, motif, hotspot or informative constraint region. (N) 0705 - No comparable variants have previous evidence for pathogenicity. (N) 0807 - Variant has not previously been reported in a clinical context. (N) 0905 - No segregation evidence has been identified for this variant. (N) 1007 - No published functional evidence has been identified for this variant. (N) 1208 - Inheritance information for this variant is not currently available. (N) Legend: (P) - Pathogenic, (N) - Neutral, (B) - Benign